The following is an entry in ClinVar:

ClinVar aggregate classification (germline): Likely benign. Review status: criteria provided, single submitter (1 of 4 stars). 2 submissions from 2 submitters: Likely benign (1). 1 of the submissions does not count toward it. Last evaluated 2026-01-12.

Conditions:
MEIS2-related disorder.
Cardiac malformation, cleft lip/palate, microcephaly, and digital anomalies. Also called: CLEFT PALATE, CARDIAC DEFECTS, AND IMPAIRED INTELLECTUAL DEVELOPMENT. Identifiers: MedGen C1832950, MONDO:0010970, OMIM 600987.

Allele frequency attached by ClinVar (database versions not stated): gnomAD exomes 0.00004 and 0.00006; ExAC 0.00007; gnomAD 0.00026 and 0.00029; TOPMed 0.00050; 1000 Genomes Project 0.00100; 1000 Genomes Project 30x 0.00109.
gnomAD v4.1: 122 of 1,613,778 alleles (0.0076%); highest among the groups gnomAD compares: Admixed American, 0.09%; no homozygotes.

Submissions (2):

Labcorp Genetics (formerly Invitae), Labcorp
Classification: Likely benign for Cardiac malformation, cleft lip/palate, microcephaly, and digital anomalies. Last evaluated: 2026-01-12. Review status: criteria provided, single submitter. Criteria: Invitae Variant Classification Sherloc (09022015). Collection method: clinical testing. Allele origin: germline.

PreventionGenetics, part of Exact Sciences
Classification: Likely benign for MEIS2-related condition. Last evaluated: 2022-11-11. Review status: no assertion criteria provided. Collection method: clinical testing. Allele origin: germline. Not counted in ClinVar's aggregate classification.
Comment: This variant is classified as likely benign based on ACMG/AMP sequence variant interpretation guidelines (Richards et al. 2015 PMID: 25741868, with internal and published modifications).

NM_170675.5(MEIS2):c.810G>A (p.Pro270=)

Gene: MEIS2 (Meis homeobox 2; minus strand). Cytogenetic location: 15q14.
Variant type: single nucleotide variant.
Coding change: c.810G>A on transcript NM_170675.5 (MANE Select); coding-DNA position 810, G replaced by A.
Protein change: p.Pro270=; no amino-acid change (proline 270 retained).
Molecular consequence: synonymous variant. On other transcripts: non-coding transcript variant (1).
Genome position (GRCh38, 1-based): chr15:37,036,904, C>T on the plus strand (G>A on the coding strand, the complement: MEIS2 is on the minus strand). VCF-style: chr15-37036904-C-T. GRCh37 (hg19) VCF-style: chr15-37329105-C-T.
Other names: c.810G>A, p.Pro270= (NM_001220482.2, NM_170674.5, NM_170676.5 and 1 more transcripts); c.771G>A, p.Pro257= (NM_002399.4, NM_172315.3); c.546G>A, p.Pro182= (NM_172316.3).
Identifiers: ClinVar variation 705193 (VCV000705193.11), dbSNP rs183075611, ClinGen allele CA7469268.
Genomic context (GRCh38, chr15:37,036,904, plus strand): 5'-GATATTTGTTGCTACTTTGGGGAAAATGCCTCTTTTCTTCTGGCGTTTTTTGTCCTTATC[C>T]GGATCATCATCGTCACCTGTACCAGGTGAAGCTACACTGTTGTCTAAACCATCCCCTAGT-3'
Protein context (NP_733775.1, residues 260-280): ASPGTGDDDD[Pro270=]DKDKKRQKKR